The following is an entry in ClinVar:

ClinVar aggregate classification (germline): Uncertain significance (1 of 4 stars; one submission).

Conditions:
Hereditary cancer-predisposing syndrome. Also called: Hereditary neoplastic syndrome; Neoplastic Syndromes, Hereditary; Tumor predisposition; Hereditary Cancer Syndrome. Identifiers: Orphanet 140162, MedGen C0027672, MeSH D009386, MONDO:0015356.

Submission:

Ambry Genetics
Classification: Uncertain significance for Hereditary cancer-predisposing syndrome. Last evaluated: 2025-08-27. Review status: criteria provided, single submitter. Criteria: Ambry Variant Classification Scheme 2023. Collection method: clinical testing. Allele origin: germline.
Comment: The p.E206A variant (also known as c.617A>C), located in coding exon 8 of the MUTYH gene, results from an A to C substitution at nucleotide position 617. The glutamic acid at codon 206 is replaced by alanine, an amino acid with dissimilar properties. This amino acid position is conserved. In addition, the in silico prediction for this alteration is inconclusive. Based on the available evidence, the clinical significance of this variant remains unclear.

NM_001048174.2(MUTYH):c.533A>C (p.Glu178Ala)

Gene: MUTYH (mutY DNA glycosylase; minus strand). Cytogenetic location: 1p34.1.
Variant type: single nucleotide variant.
Coding change: c.533A>C on transcript NM_001048174.2 (MANE Select); coding-DNA position 533, A replaced by C.
Protein change: p.Glu178Ala; replaces glutamic acid 178 with alanine.
Molecular consequence: missense variant. On other transcripts: non-coding transcript variant (7).
Genome position (GRCh38, 1-based): chr1:45,332,647, T>G on the plus strand (A>C on the coding strand, the complement: MUTYH is on the minus strand). VCF-style: chr1-45332647-T-G. GRCh37 (hg19) VCF-style: chr1-45798319-T-G.
Other names: c.257A>C, p.Glu86Ala (NM_001293196.2, NM_001407091.1, NM_001293192.2); c.188A>C, p.Glu63Ala (NM_001350650.2, NM_001350651.2, NM_001407082.1); c.566A>C, p.Glu189Ala (NM_001407069.1, NM_001407077.1, NM_001293191.2); c.533A>C, p.Glu178Ala (NM_001407070.1, NM_001407072.1, NM_001407073.1 and 6 more transcripts); c.536A>C, p.Glu179Ala (NM_001407071.1, NM_001407078.1, NM_001407086.1 and 1 more transcripts); c.449A>C, p.Glu150Ala (NM_001407075.1); c.494A>C, p.Glu165Ala (NM_001407079.1); c.491A>C, p.Glu164Ala (NM_001407080.1); and 5 more; short protein forms E150A, E193A, E165A, E185A, E179A, E189A, E192A, E203A.
Identifiers: ClinVar variation 4113761 (VCV004113761.1).